The following is an entry in ClinVar:

NM_014251.3(SLC25A13):c.1424G>A (p.Arg475Gln)

Gene: SLC25A13 (solute carrier family 25 member 13; minus strand). Cytogenetic location: 7q21.3.
Variant type: single nucleotide variant.
Coding change: c.1424G>A on transcript NM_014251.3 (MANE Select); coding-DNA position 1424, G replaced by A.
Protein change: p.Arg475Gln; replaces arginine 475 with glutamine.
Molecular consequence: missense variant. On other transcripts: non-coding transcript variant (1).
Genome position (GRCh38, 1-based): chr7:96,146,584, C>T on the plus strand (G>A on the coding strand, the complement: SLC25A13 is on the minus strand). VCF-style: chr7-96146584-C-T. GRCh37 (hg19) VCF-style: chr7-95775896-C-T.
Other names: c.1424G>A (NM_014251.2); c.1427G>A, p.Arg476Gln (NM_001160210.2); short protein forms R475Q, R476Q.
Identifiers: ClinVar variation 2073364 (VCV002073364.3), dbSNP rs764488086, ClinGen allele CA4352927.
Genomic context (GRCh38, chr7:96,146,584, plus strand): 5'-CAAATAAATGACTAAAAAAAAAAAAAAGTTACCTTGTAGATCCCAAAAAACCCCAGGTCC[C>T]GCACGACAGACAGAGCACTGACTCGAGGACCAGTGGTGATTTCTCCTGCCACTTGCAAAC-3'
Protein context (NP_055066.1, residues 465-485): GPRVSALSVV[Arg475Gln]DLGFFGIYKG

ClinVar aggregate classification (germline): Uncertain significance. Review status: criteria provided, multiple submitters, no conflicts (2 of 4 stars). 2 submissions from 2 submitters: Uncertain significance (2). Last evaluated 2026-01-12.

Conditions:
SLC25A13-related disorder. Also called: SLC25A13-related condition.
Citrin deficiency. Identifiers: Orphanet 247582, MedGen C1997910, MONDO:0016602.

Allele frequency attached by ClinVar (database versions not stated): gnomAD 0.00001; ExAC 0.00002; gnomAD exomes 0.00002.
gnomAD v4.1: 25 of 1,613,868 alleles (0.0015%); highest among the groups gnomAD compares: East Asian, 0.0045%; no homozygotes.

Submissions (2):

PreventionGenetics, part of Exact Sciences
Classification: Uncertain significance for SLC25A13-related condition. Last evaluated: 2026-01-12. Review status: criteria provided, single submitter. Criteria: ACMG Guidelines, 2015. Collection method: clinical testing. Allele origin: germline.
Comment: The SLC25A13 c.1424G>A variant is predicted to result in the amino acid substitution p.Arg475Gln. This variant has been reported in the compound heterozygous state in an individual with citrin deficiency and Kabuki syndrome, although Kabuki syndrome in this patient was reportedly explained by a de novo variant in KMT2D (reported as c.1427G > A (p.R476Q), Liu et al. 2024. PubMed ID: 38610036). This variant is reported in 0.0062% of alleles in individuals of African descent in gnomAD. At this time, the clinical significance of this variant is uncertain due to the absence of conclusive functional and genetic evidence.

Labcorp Genetics (formerly Invitae), Labcorp
Classification: Uncertain significance for Citrin deficiency. Last evaluated: 2022-02-03. Review status: criteria provided, single submitter. Criteria: Invitae Variant Classification Sherloc (09022015). Collection method: clinical testing. Allele origin: germline.
Comment: This sequence change replaces arginine, which is basic and polar, with glutamine, which is neutral and polar, at codon 475 of the SLC25A13 protein (p.Arg475Gln). This variant is present in population databases (rs764488086, gnomAD 0.007%). This variant has not been reported in the literature in individuals affected with SLC25A13-related conditions. Advanced modeling of protein sequence and biophysical properties (such as structural, functional, and spatial information, amino acid conservation, physicochemical variation, residue mobility, and thermodynamic stability) performed at Invitae indicates that this missense variant is not expected to disrupt SLC25A13 protein function. Algorithms developed to predict the effect of sequence changes on RNA splicing suggest that this variant may create or strengthen a splice site. In summary, the available evidence is currently insufficient to determine the role of this variant in disease. Therefore, it has been classified as a Variant of Uncertain Significance.